The following is an entry in ClinVar:

ClinVar aggregate classification (germline): Uncertain significance (1 of 4 stars; one submission).

Conditions:
Gastrointestinal stromal tumor. Also called: Gastrointestinal stroma tumor; Gastrointestinal stromal tumor, somatic. Identifiers: Orphanet 44890, MedGen C0238198, MeSH D046152, MONDO:0011719, OMIM 606764, HP:0100723.

Submission:

Labcorp Genetics (formerly Invitae), Labcorp
Classification: Uncertain significance for Gastrointestinal stromal tumor. Last evaluated: 2022-09-22. Review status: criteria provided, single submitter. Criteria: Invitae Variant Classification Sherloc (09022015). Collection method: clinical testing. Allele origin: germline.
Comment: In summary, the available evidence is currently insufficient to determine the role of this variant in disease. Therefore, it has been classified as a Variant of Uncertain Significance. Advanced modeling of protein sequence and biophysical properties (such as structural, functional, and spatial information, amino acid conservation, physicochemical variation, residue mobility, and thermodynamic stability) performed at Invitae indicates that this missense variant is not expected to disrupt PDGFRA protein function. This variant has not been reported in the literature in individuals affected with PDGFRA-related conditions. This variant is not present in population databases (gnomAD no frequency). This sequence change replaces threonine, which is neutral and polar, with alanine, which is neutral and non-polar, at codon 160 of the PDGFRA protein (p.Thr160Ala).

NM_006206.6(PDGFRA):c.478A>G (p.Thr160Ala)

Gene: PDGFRA (platelet derived growth factor receptor alpha; plus strand). Cytogenetic location: 4q12.
Variant type: single nucleotide variant.
Coding change: c.478A>G on transcript NM_006206.6 (MANE Select); coding-DNA position 478, A replaced by G.
Protein change: p.Thr160Ala; replaces threonine 160 with alanine.
Molecular consequence: missense variant.
Genome position (GRCh38, 1-based): chr4:54,263,777, A>G. VCF-style: chr4-54263777-A-G. GRCh37 (hg19) VCF-style: chr4-55129944-A-G.
Other names: c.478A>G, p.Thr160Ala (NM_001347827.2, NM_001347829.2); c.553A>G, p.Thr185Ala (NM_001347828.2); c.517A>G, p.Thr173Ala (NM_001347830.2); short protein forms T160A, T173A, T185A.
Identifiers: ClinVar variation 1720055 (VCV001720055.6), dbSNP rs2110251919, ClinGen allele CA356889908.